The following is an entry in ClinVar:

ClinVar aggregate classification (germline): Conflicting classifications of pathogenicity. Review status: criteria provided, conflicting classifications (1 of 4 stars). 4 submissions from 4 submitters: Uncertain significance (2); Likely benign (2). Last evaluated 2025-04-23.

Conditions:
MYO3A-related disorder. Also called: MYO3A-related condition.

Allele frequency attached by ClinVar (database versions not stated): gnomAD exomes 0.00002; ExAC 0.00004; ESP Exome Variant Server 0.00008; TOPMed 0.00008; gnomAD 0.00011; 1000 Genomes Project 30x 0.00016; 1000 Genomes Project 0.00020.
gnomAD v4.1: 28 of 1,577,460 alleles (0.0018%); highest among the groups gnomAD compares: African/African-American, 0.033%; 1 homozygote.

Submissions (4):

PreventionGenetics, part of Exact Sciences
Classification: Likely benign for MYO3A-related condition. Last evaluated: 2025-04-23. Review status: criteria provided, single submitter. Criteria: ACMG Guidelines, 2015. Collection method: clinical testing. Allele origin: germline.
Comment: This variant is classified as likely benign based on ACMG/AMP sequence variant interpretation guidelines (Richards et al. 2015 PMID: 25741868, with internal and published modifications).

Labcorp Genetics (formerly Invitae), Labcorp
Classification: Likely benign. Last evaluated: 2024-10-11. Review status: criteria provided, single submitter. Criteria: Invitae Variant Classification Sherloc (09022015). Collection method: clinical testing. Allele origin: germline.

GeneDx
Classification: Uncertain significance. Last evaluated: 2019-09-17. Review status: criteria provided, single submitter. Criteria: GeneDx Variant Classification Process June 2021. Collection method: clinical testing. Allele origin: germline. Affected: yes.
Comment: In-silico analysis, which includes splice predictors and evolutionary conservation, is inconclusive as to whether the variant alters gene splicing. In the absence of RNA/functional studies, the actual effect of this sequence change is unknown.; Has not been previously published as pathogenic or benign to our knowledge

CeGaT Center for Human Genetics Tuebingen
Classification: Uncertain significance. Last evaluated: 2016-05-01. Review status: criteria provided, single submitter. Criteria: CeGaT Center For Human Genetics Tuebingen Variant Classification Criteria Version 2. Collection method: clinical testing. Allele origin: germline. Affected: yes. Observed: 1 variant allele.

NM_017433.5(MYO3A):c.1360-8C>A

Gene: MYO3A (myosin IIIA; plus strand). Cytogenetic location: 10p12.1.
Variant type: single nucleotide variant.
Coding change: c.1360-8C>A on transcript NM_017433.5 (MANE Select); 8 bases into the intron before coding-DNA position 1360, C replaced by A.
Molecular consequence: intron variant.
Genome position (GRCh38, 1-based): chr10:26,088,195, C>A. VCF-style: chr10-26088195-C-A. GRCh37 (hg19) VCF-style: chr10-26377124-C-A.
Other names: c.1360-8C>A (NM_017433.4).
Identifiers: ClinVar variation 806455 (VCV000806455.51), dbSNP rs201980317, ClinGen allele CA5444655.
Genomic context (GRCh38, chr10:26,088,195, plus strand): 5'-GAGACATTTCATTATATACCAAATTAATTTTTTATGTTTTTAAAAATATCTTAATATTTT[C>A]TATTTAGGCTAATAACAGAACCTTGCAAGAGAAGATTTTACAAGTGAACAATTTGGTAGA-3'